The following is an entry in ClinVar:

ClinVar aggregate classification (germline): Uncertain significance (1 of 4 stars; one submission).

Conditions:
Mucopolysaccharidosis, MPS-III-A (MPS3A). Also called: HEPARAN SULFATE SULFATASE DEFICIENCY; SANFILIPPO SYNDROME A; SULFAMIDASE DEFICIENCY; MPS III A; Mucopolysaccharidosis type IIIA (Sanfilippo A); Mucopolysaccharidosis, type IIIA. Identifiers: Orphanet 581, Orphanet 79269, MedGen C0086647, MONDO:0009655, OMIM 252900.

Allele frequency attached by ClinVar (database versions not stated): gnomAD exomes below 0.00001.

Submission:

Labcorp Genetics (formerly Invitae), Labcorp
Classification: Uncertain significance for Mucopolysaccharidosis, MPS-III-A. Last evaluated: 2021-12-09. Review status: criteria provided, single submitter. Criteria: Invitae Variant Classification Sherloc (09022015). Collection method: clinical testing. Allele origin: germline.
Comment: This sequence change replaces isoleucine, which is neutral and non-polar, with threonine, which is neutral and polar, at codon 335 of the SGSH protein (p.Ile335Thr). This variant is not present in population databases (gnomAD no frequency). This variant has not been reported in the literature in individuals affected with SGSH-related conditions. Algorithms developed to predict the effect of missense changes on protein structure and function are either unavailable or do not agree on the potential impact of this missense change (SIFT: "Deleterious"; PolyPhen-2: "Possibly Damaging"; Align-GVGD: "Class C0"). In summary, the available evidence is currently insufficient to determine the role of this variant in disease. Therefore, it has been classified as a Variant of Uncertain Significance.

NM_000199.5(SGSH):c.1004T>C (p.Ile335Thr)

Gene: SGSH (N-sulfoglucosamine sulfohydrolase; minus strand). Cytogenetic location: 17q25.3.
Variant type: single nucleotide variant.
Coding change: c.1004T>C on transcript NM_000199.5 (MANE Select); coding-DNA position 1004, T replaced by C.
Protein change: p.Ile335Thr; replaces isoleucine 335 with threonine.
Molecular consequence: missense variant. On other transcripts: 3 prime UTR variant (2), non-coding transcript variant (1).
Genome position (GRCh38, 1-based): chr17:80,210,957, A>G on the plus strand (T>C on the coding strand, the complement: SGSH is on the minus strand). VCF-style: chr17-80210957-A-G. GRCh37 (hg19) VCF-style: chr17-78184756-A-G.
Other names: c.*91T>C (NM_001352921.3); c.*54T>C (NM_001352922.2); short protein forms I335T.
Identifiers: ClinVar variation 1922908 (VCV001922908.2), dbSNP rs2510861755, ClinGen allele CA401359335.